The following is an entry in ClinVar:

NM_001170629.2(CHD8):c.3274C>T (p.Arg1092Cys)

Gene: CHD8 (chromodomain helicase DNA binding protein 8; minus strand). Cytogenetic location: 14q11.2.
Variant type: single nucleotide variant.
Coding change: c.3274C>T on transcript NM_001170629.2 (MANE Select); coding-DNA position 3274, C replaced by T.
Protein change: p.Arg1092Cys; replaces arginine 1092 with cysteine.
Molecular consequence: missense variant.
Genome position (GRCh38, 1-based): chr14:21,405,242, G>A on the plus strand (C>T on the coding strand, the complement: CHD8 is on the minus strand). VCF-style: chr14-21405242-G-A. GRCh37 (hg19) VCF-style: chr14-21873401-G-A.
Other names: c.2437C>T, p.Arg813Cys (NM_020920.4); short protein forms R1092C, R813C.
Identifiers: ClinVar variation 1194296 (VCV001194296.7), dbSNP rs1439223724, ClinGen allele CA388901903.

ClinVar aggregate classification (germline): Conflicting classifications of pathogenicity. Review status: criteria provided, conflicting classifications (1 of 4 stars). 2 submissions from 2 submitters: Likely pathogenic (1); Uncertain significance (1). Last evaluated 2025-10-01.

Submissions (2):

Labcorp Genetics (formerly Invitae), Labcorp
Classification: Uncertain significance. Last evaluated: 2025-10-01. Review status: criteria provided, single submitter. Criteria: Invitae Variant Classification Sherloc (09022015). Collection method: clinical testing. Allele origin: germline.
Comment: This sequence change replaces arginine, which is basic and polar, with cysteine, which is neutral and slightly polar, at codon 1092 of the CHD8 protein (p.Arg1092Cys). This variant is not present in population databases (gnomAD no frequency). This missense change has been observed in individual(s) with autism spectrum disorder (PMID: 35982159, 36368308). This variant is also known as chr14:21405242 G>A. ClinVar contains an entry for this variant (Variation ID: 1194296). Invitae Evidence Modeling of protein sequence and biophysical properties (such as structural, functional, and spatial information, amino acid conservation, physicochemical variation, residue mobility, and thermodynamic stability) has been performed for this missense variant. However, the output from this modeling did not meet the statistical confidence thresholds required to predict the impact of this variant on CHD8 protein function. In summary, the available evidence is currently insufficient to determine the role of this variant in disease. Therefore, it has been classified as a Variant of Uncertain Significance.

GeneDx
Classification: Likely pathogenic. Last evaluated: 2025-07-31. Review status: criteria provided, single submitter. Criteria: GeneDx Variant Classification Process June 2021. Collection method: clinical testing. Allele origin: germline. Affected: yes.
Comment: Not observed at significant frequency in large population cohorts (gnomAD); In silico analysis supports that this missense variant has a deleterious effect on protein structure/function; This variant is associated with the following publications: (PMID: 36368308, 35982159)

Literature cited by the submitters: PubMed 35982159 (cited by Labcorp Genetics (formerly Invitae), Labcorp); PubMed 36368308 (cited by Labcorp Genetics (formerly Invitae), Labcorp).